The following is an entry in ClinVar:

ClinVar aggregate classification (germline): Uncertain significance (1 of 4 stars; one submission).

Allele frequency attached by ClinVar (database versions not stated): gnomAD exomes below 0.00001.
gnomAD v4.1: 1 of 1,599,120 alleles (0.000063%); highest among the groups gnomAD compares: Admixed American, 0.0017%; no homozygotes.

Submission:

GeneDx
Classification: Uncertain significance. Last evaluated: 2024-01-09. Review status: criteria provided, single submitter. Criteria: GeneDx Variant Classification Process June 2021. Collection method: clinical testing. Allele origin: germline. Affected: yes.
Comment: Not observed at significant frequency in large population cohorts (gnomAD); In silico analysis supports that this missense variant does not alter protein structure/function; Has not been previously published as pathogenic or benign to our knowledge

NM_005257.6(GATA6):c.319T>C (p.Ser107Pro)

Gene: GATA6 (GATA binding protein 6; plus strand). Cytogenetic location: 18q11.2.
Variant type: single nucleotide variant.
Coding change: c.319T>C on transcript NM_005257.6 (MANE Select); coding-DNA position 319, T replaced by C.
Protein change: p.Ser107Pro; replaces serine 107 with proline.
Molecular consequence: missense variant.
Genome position (GRCh38, 1-based): chr18:22,171,463, T>C. VCF-style: chr18-22171463-T-C. GRCh37 (hg19) VCF-style: chr18-19751424-T-C.
Other names: short protein forms S107P.
Identifiers: ClinVar variation 1683904 (VCV001683904.3), dbSNP rs1448945012, ClinGen allele CA401799402.